The following is an entry in ClinVar:

NM_005751.5(AKAP9):c.9109G>T (p.Glu3037Ter)

Gene: AKAP9 (A-kinase anchoring protein 9; plus strand). Cytogenetic location: 7q21.2.
Variant type: single nucleotide variant.
Coding change: c.9109G>T on transcript NM_005751.5 (MANE Select); coding-DNA position 9109, G replaced by T.
Protein change: p.Glu3037Ter; replaces glutamic acid 3037 with a stop codon.
Molecular consequence: nonsense.
Genome position (GRCh38, 1-based): chr7:92,086,312, G>T. VCF-style: chr7-92086312-G-T. GRCh37 (hg19) VCF-style: chr7-91715626-G-T.
Other names: c.3754G>T, p.Glu1252Ter (NM_001379277.1); c.9085G>T, p.Glu3029Ter (NM_147185.3); short protein forms E1252*, E3037*, E3029*.
Identifiers: ClinVar variation 1035956 (VCV001035956.6), dbSNP rs1814554085, ClinGen allele CA368143667.

ClinVar aggregate classification (germline): Uncertain significance (1 of 4 stars; one submission).

Conditions:
Long QT syndrome (LQTS). Identifiers: MedGen C0023976, MeSH D008133, MONDO:0002442. Disease mechanism: loss of function. Inheritance: Various modes of inheritance.

Allele frequency attached by ClinVar (database versions not stated): TOPMed below 0.00001.

Submission:

Labcorp Genetics (formerly Invitae), Labcorp
Classification: Uncertain significance for Long QT syndrome. Last evaluated: 2022-02-05. Review status: criteria provided, single submitter. Criteria: Invitae Variant Classification Sherloc (09022015). Collection method: clinical testing. Allele origin: germline.
Comment: ClinVar contains an entry for this variant (Variation ID: 1035956). In summary, the available evidence is currently insufficient to determine the role of this variant in disease. Therefore, it has been classified as a Variant of Uncertain Significance. This variant has not been reported in the literature in individuals affected with AKAP9-related conditions. This sequence change creates a premature translational stop signal (p.Glu3037*) in the AKAP9 gene. It is expected to result in an absent or disrupted protein product. However, the current clinical and genetic evidence is not sufficient to establish whether loss-of-function variants in AKAP9 cause disease. This variant is not present in population databases (gnomAD no frequency).